The following is an entry in ClinVar:

ClinVar aggregate classification (germline): Conflicting classifications of pathogenicity. Review status: criteria provided, conflicting classifications (1 of 4 stars). 3 submissions from 3 submitters: Uncertain significance (1); Likely benign (1). 1 of the submissions does not count toward it. Last evaluated 2024-08-16.

Conditions:
Retinal dystrophy. Also called: Inherited retinal dystrophy. Identifiers: Orphanet 71862, MedGen C0854723, MeSH D058499, MONDO:0019118, HP:0000556.

Allele frequency attached by ClinVar (database versions not stated): gnomAD below 0.00001 and 0.00003; TOPMed 0.00003; 1000 Genomes Project 0.00020; gnomAD exomes 0.00021; ExAC 0.00024; 1000 Genomes Project 30x 0.00031.

Submissions (3):

Blueprint Genetics
Classification: Likely benign. Last evaluated: 2024-08-16. Review status: criteria provided, single submitter. Criteria: ACMG Guidelines, 2015. Collection method: clinical testing. Allele origin: germline.

Labcorp Genetics (formerly Invitae), Labcorp
Classification: Uncertain significance. Last evaluated: 2021-11-22. Review status: criteria provided, single submitter. Criteria: Invitae Variant Classification Sherloc (09022015). Collection method: clinical testing. Allele origin: germline.
Comment: This sequence change replaces serine, which is neutral and polar, with arginine, which is basic and polar, at codon 356 of the RBP3 protein (p.Ser356Arg). This variant is present in population databases (rs532818776, gnomAD 0.2%). This variant has not been reported in the literature in individuals affected with RBP3-related conditions. ClinVar contains an entry for this variant (Variation ID: 843897). Algorithms developed to predict the effect of missense changes on protein structure and function are either unavailable or do not agree on the potential impact of this missense change (SIFT: "Deleterious"; PolyPhen-2: "Possibly Damaging"; Align-GVGD: "Class C0"). In summary, the available evidence is currently insufficient to determine the role of this variant in disease. Therefore, it has been classified as a Variant of Uncertain Significance.

Institute of Human Genetics, Univ. Regensburg, Univ. Regensburg
Classification: Uncertain significance for Retinal dystrophy. Last evaluated: 2022-01-01. Review status: no assertion criteria provided. Criteria: ACMG Guidelines, 2015. Collection method: clinical testing. Allele origin: germline. Affected: yes. Not counted in ClinVar's aggregate classification.

NM_002900.3(RBP3):c.1068C>G (p.Ser356Arg)

Gene: RBP3 (retinol binding protein 3; plus strand). Cytogenetic location: 10q11.22.
Variant type: single nucleotide variant.
Coding change: c.1068C>G on transcript NM_002900.3 (MANE Select); coding-DNA position 1068, C replaced by G.
Protein change: p.Ser356Arg; replaces serine 356 with arginine.
Molecular consequence: missense variant.
Genome position (GRCh38, 1-based): chr10:47,349,552, C>G. VCF-style: chr10-47349552-C-G. GRCh37 (hg19) VCF-style: chr10-48389810-G-C.
Other names: short protein forms S356R.
Identifiers: ClinVar variation 843897 (VCV000843897.7), dbSNP rs532818776, ClinGen allele CA5487615.